The following is an entry in ClinVar:

NM_001754.5(RUNX1):c.58+103A>G

Gene: RUNX1 (RUNX family transcription factor 1; minus strand). Cytogenetic location: 21q22.12.
Variant type: single nucleotide variant.
Coding change: c.58+103A>G on transcript NM_001754.5 (MANE Select); 103 bases into the intron after coding-DNA position 58, A replaced by G.
Molecular consequence: intron variant.
Genome position (GRCh38, 1-based): chr21:35,048,739, T>C on the plus strand (A>G on the coding strand, the complement: RUNX1 is on the minus strand). VCF-style: chr21-35048739-T-C. GRCh37 (hg19) VCF-style: chr21-36421036-T-C.
Identifiers: ClinVar variation 1292683 (VCV001292683.7), dbSNP rs8133634, ClinGen allele CA14870737.

ClinVar aggregate classification (germline): Benign. Review status: reviewed by expert panel (3 of 4 stars). 4 submissions from 4 submitters: Benign (1). 3 of the submissions do not count toward it. Last evaluated 2023-11-13.

Conditions:
Hereditary thrombocytopenia and hematologic cancer predisposition syndrome. Identifiers: Orphanet 71290, MedGen CN281654, MONDO:0011071.
Hereditary thrombocytopenia and hematological cancer predisposition syndrome associated with RUNX1. Also called: Familial Platelet Disorder with Propensity to Acute Myelogenous Leukemia; RUNX1 Familial Platelet Disorder with Associated Myeloid Malignancies; Familial thrombocytopenia with propensity to acute myelogenous leukemia; PLATELET DISORDER, ASPIRIN-LIKE. Identifiers: Orphanet 71290, MedGen C1832388, MeSH C563324, MONDO:0100083, OMIM 601399.

Allele frequency attached by ClinVar (database versions not stated): gnomAD exomes 0.49735; 1000 Genomes Project 0.57308; 1000 Genomes Project 30x 0.57573; gnomAD 0.58096 and 0.59069; TOPMed 0.59518.
gnomAD v4.1: 470,976 of 920,246 alleles (51%); highest among the groups gnomAD compares: African/African-American, 81%; 124,415 homozygotes.

Submissions (4):

ClinGen Myeloid Malignancy Variant Curation Expert Panel
Classification: Benign for Hereditary thrombocytopenia and hematologic cancer predisposition syndrome. Last evaluated: 2023-11-13. Review status: reviewed by expert panel. Criteria: ClinGen MyeloMalig ACMG Specifications v2. Collection method: curation. Allele origin: germline. Inheritance: Autosomal dominant inheritance.
Comment: The c.58+103A>G variant is a deep intronic variant that is not predicted by SpliceAI to impact splicing (BP4); in addition, an evolutionary conservation algorithm predicts the site as being weakly conserved (PhyloP score = 0.00181102 in GRCh38), and the variant allele is the reference nucleotide in one primate and/or three mammal species (BP7). The variant's highest population minor allele frequency in gnomAD v2 is 0.8144 (7069/8680 alleles) in the African/African American population, which is higher than the ClinGen Myeloid Malignancy threshold (>0.0015) for BA1; in addition, this allele count includes 2892 homozygotes, and there are no reports of probands with homozygous pathogenic variants plus RUNX1-deficient mice are embryonic lethal (BP2). The variant also has not been reported in germline cases (PMID: 24211365, PMID: 25056374, PMID: 32277576, COSMIC ID: COSV55892632) or functionally evaluated in the literature. In summary, this variant meets the criteria to be classified as benign for hereditary thrombocytopenia and hematologic cancer predisposition syndrome based on the ACMG/AMP criteria applied, as specified by the ClinGen Myeloid Malignancy VCEP: BA1, BP2, BP4, and BP7.

Labcorp Genetics (formerly Invitae), Labcorp
Classification: Benign for Hereditary thrombocytopenia and hematological cancer predisposition syndrome associated with RUNX1. Last evaluated: 2024-10-29. Review status: criteria provided, single submitter. Criteria: Invitae Variant Classification Sherloc (09022015). Collection method: clinical testing. Allele origin: germline. Not counted in ClinVar's aggregate classification.

GeneDx
Classification: Benign. Last evaluated: 2018-06-22. Review status: criteria provided, single submitter. Criteria: GeneDx Variant Classification Process June 2021. Collection method: clinical testing. Allele origin: germline. Affected: yes. Not counted in ClinVar's aggregate classification.

Breakthrough Genomics
Classification: Benign. Review status: criteria provided, single submitter. Criteria: ACMG Guidelines, 2015. Collection method: not provided. Allele origin: germline. Inheritance: Autosomal dominant inheritance. Affected: yes. Not counted in ClinVar's aggregate classification.